The following is an entry in ClinVar:

ClinVar aggregate classification (germline): Conflicting classifications of pathogenicity. Review status: criteria provided, conflicting classifications (1 of 4 stars). 3 submissions from 3 submitters: Uncertain significance (1); Likely benign (2). Last evaluated 2024-02-29.

Conditions:
Smith-Lemli-Opitz syndrome (SLOS). Also called: 7-Dehydrocholesterol reductase deficiency; LETHAL ACRODYSGENITAL SYNDROME; POLYDACTYLY, SEX REVERSAL, RENAL HYPOPLASIA, AND UNILOBAR LUNG; RSH SYNDROME; RUTLEDGE LETHAL MULTIPLE CONGENITAL ANOMALY SYNDROME. Identifiers: Orphanet 818, MedGen C0175694, MONDO:0010035, OMIM 270400.

Allele frequency attached by ClinVar (database versions not stated): ESP Exome Variant Server 0.00407; gnomAD 0.00461 and 0.00500; 1000 Genomes Project 0.00519; TOPMed 0.00557; 1000 Genomes Project 30x 0.00593.
gnomAD v4.1: 1,347 of 1,607,478 alleles (0.084%); highest among the groups gnomAD compares: African/African-American, 1.6%; 9 homozygotes.

Submissions (3):

Mayo Clinic Laboratories, Mayo Clinic
Classification: Likely benign. Last evaluated: 2024-02-29. Review status: criteria provided, single submitter. Criteria: ACMG Guidelines, 2015. Collection method: clinical testing. Allele origin: germline. Observed: 4 variant alleles.
Comment: BS1, BP4, BP7

GeneDx
Classification: Likely benign. Last evaluated: 2018-12-24. Review status: criteria provided, single submitter. Criteria: GeneDx Variant Classification Process June 2021. Collection method: clinical testing. Allele origin: germline. Affected: yes.

Illumina Laboratory Services, Illumina
Classification: Uncertain significance for Smith-Lemli-Opitz syndrome. Last evaluated: 2018-01-13. Review status: criteria provided, single submitter. Criteria: ICSL Variant Classification Criteria 13 December 2019. Collection method: clinical testing. Allele origin: germline.

NM_001360.3(DHCR7):c.*28G>T

Gene: DHCR7 (7-dehydrocholesterol reductase; minus strand). Cytogenetic location: 11q13.4.
Variant type: single nucleotide variant.
Coding change: c.*28G>T on transcript NM_001360.3 (MANE Select); 28 bases downstream of the stop codon, G replaced by T.
Molecular consequence: 3 prime UTR variant.
Genome position (GRCh38, 1-based): chr11:71,435,347, C>A on the plus strand (G>T on the coding strand, the complement: DHCR7 is on the minus strand). VCF-style: chr11-71435347-C-A. GRCh37 (hg19) VCF-style: chr11-71146393-C-A.
Other names: c.*28G>T (NM_001163817.2).
Identifiers: ClinVar variation 881166 (VCV000881166.8), dbSNP rs114143715, ClinGen allele CA6162223.